The following is an entry in ClinVar:

NM_000264.5(PTCH1):c.2400C>G (p.Phe800Leu)

Genes: PTCH1 (patched 1; minus strand), LOC100507346 (uncharacterized LOC100507346; plus strand). Cytogenetic location: 9q22.32.
Variant type: single nucleotide variant.
Coding change: c.2400C>G on transcript NM_000264.5 (MANE Select); coding-DNA position 2400, C replaced by G.
Protein change: p.Phe800Leu; replaces phenylalanine 800 with leucine.
Molecular consequence: missense variant.
Genome position (GRCh38, 1-based): chr9:95,467,276, G>C on the plus strand (C>G on the coding strand, the complement: PTCH1 is on the minus strand). VCF-style: chr9-95467276-G-C. GRCh37 (hg19) VCF-style: chr9-98229558-G-C.
Other names: c.2202C>G, p.Phe734Leu (NM_001083602.3); c.2397C>G, p.Phe799Leu (NM_001083603.3); c.1947C>G, p.Phe649Leu (NM_001083604.3, NM_001083605.3, NM_001083606.3 and 1 more transcripts); c.2244C>G, p.Phe748Leu (NM_001354918.2); short protein forms F734L, F649L, F800L, F748L, F799L.
Identifiers: ClinVar variation 1790732 (VCV001790732.3), dbSNP rs1840091372, ClinGen allele CA374114342.

ClinVar aggregate classification (germline): Uncertain significance (1 of 4 stars; one submission).

Conditions:
Hereditary cancer-predisposing syndrome. Also called: Hereditary Cancer Syndrome; Hereditary neoplastic syndrome; Neoplastic Syndromes, Hereditary; Tumor predisposition. Identifiers: Orphanet 140162, MedGen C0027672, MeSH D009386, MONDO:0015356.

Submission:

Ambry Genetics
Classification: Uncertain significance for Hereditary cancer-predisposing syndrome. Last evaluated: 2026-09-09. Review status: criteria provided, single submitter. Criteria: Ambry Variant Classification Scheme 2023. Collection method: clinical testing. Allele origin: germline.
Comment: The p.F800L variant (also known as c.2400C>G), located in coding exon 15 of the PTCH1 gene, results from a C to G substitution at nucleotide position 2400. The phenylalanine at codon 800 is replaced by leucine, an amino acid with highly similar properties. This amino acid position is highly conserved in available vertebrate species. In addition, this alteration is predicted to be deleterious by in silico analysis. Based on the available evidence, the clinical significance of this variant remains unclear.